The following is an entry in ClinVar:

ClinVar aggregate classification (germline): Uncertain significance (1 of 4 stars; one submission).

Conditions:
Cardiovascular phenotype. Identifiers: MedGen CN230736.

gnomAD v4.1: 11 of 1,614,004 alleles (0.00068%); highest among the groups gnomAD compares: Non-Finnish European, 0.00076%; no homozygotes.

Submission:

Ambry Genetics
Classification: Uncertain significance for Cardiovascular phenotype. Last evaluated: 2023-02-26. Review status: criteria provided, single submitter. Criteria: Ambry Variant Classification Scheme 2023. Collection method: clinical testing. Allele origin: germline.
Comment: The p.G579V variant (also known as c.1736G>T), located in coding exon 10 of the EPHB4 gene, results from a G to T substitution at nucleotide position 1736. The glycine at codon 579 is replaced by valine, an amino acid with dissimilar properties. This amino acid position is conserved. In addition, this alteration is predicted to be tolerated by in silico analysis. Since supporting evidence is limited at this time, the clinical significance of this alteration remains unclear.

NM_004444.5(EPHB4):c.1736G>T (p.Gly579Val)

Gene: EPHB4 (EPH receptor B4; minus strand). Cytogenetic location: 7q22.1.
Variant type: single nucleotide variant.
Coding change: c.1736G>T on transcript NM_004444.5 (MANE Select); coding-DNA position 1736, G replaced by T.
Protein change: p.Gly579Val; replaces glycine 579 with valine.
Molecular consequence: missense variant.
Genome position (GRCh38, 1-based): chr7:100,813,672, C>A on the plus strand (G>T on the coding strand, the complement: EPHB4 is on the minus strand). VCF-style: chr7-100813672-C-A. GRCh37 (hg19) VCF-style: chr7-100411294-C-A.
Other names: short protein forms G579V.
Identifiers: ClinVar variation 2497596 (VCV002497596.2), dbSNP rs563114834, ClinGen allele CA163280254.